The following is an entry in ClinVar:

NM_000090.4(COL3A1):c.3629G>A (p.Gly1210Asp)

Gene: COL3A1 (collagen type III alpha 1 chain; plus strand). Cytogenetic location: 2q32.2.
Variant type: single nucleotide variant.
Coding change: c.3629G>A on transcript NM_000090.4 (MANE Select); coding-DNA position 3629, G replaced by A.
Protein change: p.Gly1210Asp; replaces glycine 1210 with aspartic acid.
Molecular consequence: missense variant.
Genome position (GRCh38, 1-based): chr2:189,009,027, G>A. VCF-style: chr2-189009027-G-A. GRCh37 (hg19) VCF-style: chr2-189873753-G-A.
Other names: short protein forms G1210D.
Identifiers: ClinVar variation 529324 (VCV000529324.18), dbSNP rs749543804, ClinGen allele CA076213.

ClinVar aggregate classification (germline): Uncertain significance. Review status: criteria provided, multiple submitters, no conflicts (2 of 4 stars). 7 submissions from 7 submitters: Uncertain significance (7). Last evaluated 2026-07-21.

Conditions:
Ehlers-Danlos syndrome (EDS). Identifiers: Orphanet 98249, MedGen C0013720, MONDO:0020066.
Ehlers-Danlos syndrome, type 4 (EDSVASC). Also called: Ehlers-Danlos syndrome vascular type; Ehlers Danlos syndrome, ecchymotic type; Ehlers Danlos syndrome, arterial type; Ehlers Danlos syndrome, Sack-Barabas type; Ehlers-Danlos Syndrome Type IV. Identifiers: Orphanet 286, MedGen C0268338, MONDO:0017314, OMIM 130050.
Familial thoracic aortic aneurysm and aortic dissection (TAAD). Also called: Thoracic aortic aneurysms and dissections. Identifiers: Orphanet 91387, MedGen C4707243, MONDO:0019625.

Allele frequency attached by ClinVar (database versions not stated): ExAC 0.00001; TOPMed 0.00001; gnomAD 0.00002; gnomAD exomes 0.00002.
gnomAD v4.1: 10 of 1,614,094 alleles (0.00062%); highest among the groups gnomAD compares: Admixed American, 0.005%; no homozygotes.

Submissions (7):

Ambry Genetics
Classification: Uncertain significance for Familial thoracic aortic aneurysm and aortic dissection. Last evaluated: 2026-07-21. Review status: criteria provided, single submitter. Criteria: Ambry Variant Classification Scheme 2023. Collection method: clinical testing. Allele origin: germline.
Comment: The p.G1210D variant (also known as c.3629G>A), located in coding exon 48 of the COL3A1 gene, results from a G to A substitution at nucleotide position 3629. The glycine at codon 1210 is replaced by aspartic acid, an amino acid with similar properties. This amino acid position is conserved. In addition, this alteration is predicted to be tolerated by in silico analysis. Based on the available evidence, the clinical significance of this variant remains unclear.

Labcorp Genetics (formerly Invitae), Labcorp
Classification: Uncertain significance for Ehlers-Danlos syndrome, type 4. Last evaluated: 2025-12-15. Review status: criteria provided, single submitter. Criteria: Invitae Variant Classification Sherloc (09022015). Collection method: clinical testing. Allele origin: germline.
Comment: This sequence change replaces glycine, which is neutral and non-polar, with aspartic acid, which is acidic and polar, at codon 1210 of the COL3A1 protein (p.Gly1210Asp). This variant is present in population databases (rs749543804, gnomAD 0.006%). This variant has not been reported in the literature in individuals affected with COL3A1-related conditions. ClinVar contains an entry for this variant (Variation ID: 529324). Invitae Evidence Modeling of protein sequence and biophysical properties (such as structural, functional, and spatial information, amino acid conservation, physicochemical variation, residue mobility, and thermodynamic stability) indicates that this missense variant is not expected to disrupt COL3A1 protein function with a negative predictive value of 95%. In summary, the available evidence is currently insufficient to determine the role of this variant in disease. Therefore, it has been classified as a Variant of Uncertain Significance.

Color Diagnostics, LLC DBA Color Health
Classification: Uncertain significance for Familial thoracic aortic aneurysm and aortic dissection. Last evaluated: 2025-07-29. Review status: criteria provided, single submitter. Criteria: ACMG Guidelines, 2015. Collection method: clinical testing. Allele origin: germline.
Comment: This missense variant replaces glycine with aspartic acid at codon 1210 of the COL3A1 protein. Computational prediction suggests that this variant may not impact protein structure and function. To our knowledge, functional studies have not been reported for this variant. This variant has not been reported in individuals affected with COL3A1-related disorders in the literature. This variant has been identified in 6/282786 chromosomes in the general population by the Genome Aggregation Database (gnomAD). The available evidence is insufficient to determine the role of this variant in disease conclusively. Therefore, this variant is classified as a Variant of Uncertain Significance.

Women's Health and Genetics/Laboratory Corporation of America, LabCorp
Classification: Uncertain significance. Last evaluated: 2025-06-16. Review status: criteria provided, single submitter. Criteria: LabCorp Variant Classification Summary - May 2015. Collection method: clinical testing. Allele origin: germline.
Comment: Variant summary: COL3A1 c.3629G>A (p.Gly1210Asp) results in a non-conservative amino acid change in the encoded protein sequence. Algorithms developed to predict the effect of missense changes on protein structure and function are either unavailable or do not agree on the potential impact of this missense change. The variant allele was found at a frequency of 2e-05 in 251392 control chromosomes (gnomAD). The available data on variant occurrences in the general population are insufficient to allow any conclusion about variant significance. To our knowledge, no occurrence of c.3629G>A in individuals affected with Polymicrogyria with or without vascular-type Ehlers-Danlos syndrome and no experimental evidence demonstrating its impact on protein function have been reported. ClinVar contains an entry for this variant (Variation ID: 529324). Based on the evidence outlined above, the variant was classified as uncertain significance.

Dasa
Classification: Uncertain significance. Last evaluated: 2025-01-06. Review status: criteria provided, single submitter. Criteria: DASA Assertion Criteria. Collection method: clinical testing. Allele origin: germline.
Comment: NM_000090.4(COL3A1):c.3629G>A (p.Gly1210Asp) is a missense variant that results in the substitution of glycine with aspartic acid. This variant is rare in population databases. Computational prediction algorithms are consistent with a benign effect. The currently available literature and clinical evidence are not sufficient to establish a definitive association between this variant and the reported condition. Therefore, this variant is classified as a variant of uncertain significance.

GeneDx
Classification: Uncertain significance. Last evaluated: 2024-12-30. Review status: criteria provided, single submitter. Criteria: GeneDx Variant Classification Process June 2021. Collection method: clinical testing. Allele origin: germline. Affected: yes.
Comment: In silico analysis supports that this missense variant has a deleterious effect on protein structure/function; Has not been previously published as pathogenic or benign to our knowledge

Genome Diagnostics Laboratory, The Hospital for Sick Children
Classification: Uncertain significance for Ehlers-Danlos syndrome. Last evaluated: 2019-10-01. Review status: criteria provided, single submitter. Criteria: ACMG Guidelines, 2015. Collection method: clinical testing. Allele origin: germline.